The following is an entry in ClinVar:

ClinVar aggregate classification (germline): Pathogenic (1 of 4 stars; one submission).

Allele frequency attached by ClinVar (database versions not stated): gnomAD exomes below 0.00001.

Submission:

Labcorp Genetics (formerly Invitae), Labcorp
Classification: Pathogenic. Last evaluated: 2021-08-17. Review status: criteria provided, single submitter. Criteria: Invitae Variant Classification Sherloc (09022015). Collection method: clinical testing. Allele origin: germline.
Comment: This sequence change creates a premature translational stop signal (p.Tyr48*) in the ARL2BP gene. It is expected to result in an absent or disrupted protein product. Loss-of-function variants in ARL2BP are known to be pathogenic (PMID: 23849777, 27790702, 29718757, 30210231). This variant is not present in population databases (ExAC no frequency). This variant has not been reported in the literature in individuals affected with ARL2BP-related conditions. For these reasons, this variant has been classified as Pathogenic.

Literature cited by the submitters: PubMed 23849777; PubMed 27790702; PubMed 29718757; PubMed 30210231.

NM_012106.4(ARL2BP):c.139_143dup (p.Tyr48Ter)

Gene: ARL2BP (ARF like GTPase 2 binding protein; plus strand). Cytogenetic location: 16q13.
Variant type: Duplication.
Coding change: c.139_143dup on transcript NM_012106.4 (MANE Select); coding-DNA positions 139 to 143, 5 bases duplicated (AAGTA; older notation c.139_143dupAAGTA).
Protein change: p.Tyr48Ter; replaces tyrosine 48 with a stop codon.
Molecular consequence: nonsense.
Genome position (GRCh38, 1-based): chr16:57,248,575-57,248,579, AAGTA duplicated. VCF-style (leftmost placement, unchanged base first): chr16-57248574-C-CAAGTA. GRCh37 (hg19) VCF-style: chr16-57282486-C-CAAGTA.
Other names: short protein forms Y48*.
Identifiers: ClinVar variation 1373439 (VCV001373439.6), dbSNP rs753029079, ClinGen allele CA281524770.